The following is an entry in ClinVar:

NM_001080517.3(SETD5):c.402_405delinsC (p.Ala135del)

Gene: SETD5 (SET domain containing 5; plus strand). Cytogenetic location: 3p25.3.
Variant type: Indel.
Coding change: c.402_405delinsC on transcript NM_001080517.3 (MANE Select); coding-DNA positions 402 to 405, TGCA replaced by C.
Protein change: p.Ala135del; deletes alanine 135.
Genome position (GRCh38, 1-based): chr3:9,435,741-9,435,744, TGCA replaced by C. VCF-style: chr3-9435741-TGCA-C. GRCh37 (hg19) VCF-style: chr3-9477425-TGCA-C.
Other names: c.69_72delinsC, p.Ala24del (NM_001292043.2, NM_001349451.2); short protein forms A135del, A24del.
Identifiers: ClinVar variation 3602455 (VCV003602455.1).

ClinVar aggregate classification (germline): Uncertain significance (1 of 4 stars; one submission).

Submission:

GeneDx
Classification: Uncertain significance. Last evaluated: 2024-07-29. Review status: criteria provided, single submitter. Criteria: GeneDx Variant Classification Process June 2021. Collection method: clinical testing. Allele origin: germline. Affected: yes.
Comment: Not observed at significant frequency in large population cohorts (gnomAD); In-frame deletion of 1 amino acid in a non-repeat region; In silico analysis supports a deleterious effect on protein structure/function; Has not been previously published as pathogenic or benign to our knowledge